The following is an entry in ClinVar:

NM_007294.4(BRCA1):c.4357+1G>A

Gene: BRCA1 (BRCA1 DNA repair associated; minus strand). Cytogenetic location: 17q21.31.
Variant type: single nucleotide variant.
Coding change: c.4357+1G>A on transcript NM_007294.4 (MANE Select); the canonical splice donor site of the intron after coding-DNA position 4357, G replaced by A.
Molecular consequence: splice donor variant.
Genome position (GRCh38, 1-based): chr17:43,082,403, C>T on the plus strand (G>A on the coding strand, the complement: BRCA1 is on the minus strand). VCF-style: chr17-43082403-C-T. GRCh37 (hg19) VCF-style: chr17-41234420-C-T.
Other names: IVS13+1G>A; c.1750+1G>A (NM_001407969.1); c.1753+1G>A (NM_001407968.1); c.4354+1G>A (NM_001407640.1, NM_001407626.1, NM_001407613.1 and 21 more transcripts); c.4357+1G>A (NM_001407617.1, NM_001407652.1, NM_001407854.1 and 23 more transcripts); c.835+1G>A (NM_001408492.1, NM_001408513.1, NM_001408491.1 and 3 more transcripts); c.904+1G>A (NM_001408468.1, NM_001408466.1, NM_001408469.1 and 5 more transcripts); c.4213+1G>A (NM_001407842.1, NM_001407749.1, NM_001407846.1 and 23 more transcripts); and 52 more.
Identifiers: ClinVar variation 37584 (VCV000037584.47), dbSNP rs80358027, ClinGen allele CA002787.

ClinVar aggregate classification (germline): Pathogenic. Review status: reviewed by expert panel (3 of 4 stars). 25 submissions from 25 submitters: Pathogenic (1). 24 of the submissions do not count toward it. Last evaluated 2015-08-10.

Conditions:
Inherited breast cancer and ovarian cancer.
BRCA1-related cancer predisposition. Identifiers: MedGen CN377757, MONDO:0700268.
Hereditary cancer-predisposing syndrome. Also called: Neoplastic Syndromes, Hereditary; Tumor predisposition; Hereditary neoplastic syndrome; Hereditary Cancer Syndrome. Identifiers: Orphanet 140162, MedGen C0027672, MeSH D009386, MONDO:0015356.
Hereditary breast ovarian cancer syndrome. Also called: Hereditary breast and/or ovarian cancer syndrome; Hereditary breast and ovarian cancer syndrome (HBOC); Hereditary breast and ovarian cancer; Breast and ovarian cancer; Hereditary breast and ovarian cancer syndrome; BRCA1- and BRCA2-Associated Hereditary Breast and Ovarian Cancer. Identifiers: Orphanet 145, MedGen C0677776, MeSH D061325, MONDO:0003582. Disease mechanism: loss of function.
Breast-ovarian cancer, familial, susceptibility to, 1 (BROVCA1). Also called: OVARIAN CANCER, SUSCEPTIBILITY TO; BRCA1 Hereditary Breast and Ovarian Cancer. Identifiers: Orphanet 145, MedGen C2676676, MONDO:0011450, OMIM 604370. Disease mechanism: loss of function.

Allele frequency attached by ClinVar (database versions not stated): ExAC 0.00001; 1000 Genomes Project 30x 0.00016; gnomAD exomes below 0.00001; TOPMed 0.00001; 1000 Genomes Project 0.00020; gnomAD 0.00001.
gnomAD v4.1: 3 of 1,613,594 alleles (0.00019%); highest among the groups gnomAD compares: African/African-American, 0.0027%; no homozygotes.

Submissions 1 to 8 of 25:

Evidence-based Network for the Interpretation of Germline Mutant Alleles (ENIGMA)
Classification: Pathogenic for Breast-ovarian cancer, familial 1. Last evaluated: 2015-08-10. Review status: reviewed by expert panel. Criteria: ENIGMA BRCA1/2 Classification Criteria (2015). Collection method: curation. Allele origin: germline.
Comment: IARC class based on posterior probability from multifactorial likelihood analysis, thresholds for class as per Plon et al. 2008 (PMID: 18951446). Class 5 based on posterior probability = 0.9999

Genetics Laboratory, Great Ormond Street Hospital NHS Foundation Trust, North Thames Genomic Laboratory Hub
Classification: Pathogenic for Inherited breast cancer and ovarian cancer. Last evaluated: 2026-09-16. Review status: criteria provided, single submitter. Criteria: CanVIG BRCA Gene Specific V1.22. Collection method: clinical testing. Allele origin: germline. Affected: yes. Not counted in ClinVar's aggregate classification.
Comment: PS4_moderate, PM2_supporting, PVS1_very-strong, PP4_very-strong

Labcorp Genetics (formerly Invitae), Labcorp
Classification: Pathogenic for Hereditary breast ovarian cancer syndrome. Last evaluated: 2025-12-18. Review status: criteria provided, single submitter. Criteria: Invitae Variant Classification Sherloc (09022015). Collection method: clinical testing. Allele origin: germline. Not counted in ClinVar's aggregate classification.
Comment: This sequence change affects a donor splice site in intron 12 of the BRCA1 gene. RNA analysis indicates that disruption of this splice site induces altered splicing and may result in an absent or altered protein product. This variant is present in population databases (rs80358027, gnomAD 0.004%). Disruption of this splice site has been observed in individual(s) with breast cancer (PMID: 15533909, 20104584, 24013928, 24797986, 25085752, 25452441, 26681312). This variant is also known as IVS13+1G>A. ClinVar contains an entry for this variant (Variation ID: 37584). Based on a multifactorial likelihood algorithm using genetic, in silico, and/or statistical data, this variant has been determined to have a high probability of being pathogenic (PMID: 17924331). Studies have shown that disruption of this splice site alters mRNA splicing and is expected to lead to the loss of protein expression (PMID: 21735045, 21769658, 24667779; internal data). For these reasons, this variant has been classified as Pathogenic.

Color Diagnostics, LLC DBA Color Health
Classification: Pathogenic for Hereditary cancer-predisposing syndrome. Last evaluated: 2025-01-22. Review status: criteria provided, single submitter. Criteria: ACMG Guidelines, 2015. Collection method: clinical testing. Allele origin: germline. Not counted in ClinVar's aggregate classification.
Comment: This variant causes a G to A nucleotide substitution at the +1 position of intron 12 of the BRCA1 gene. RNA studies have reported this variant to cause the out-of-frame skipping of exon 12 in carrier RNA and in minigene splicing assay (PMID: 21769658, 24667779 ), resulting in an unstable mRNA transcript (PMID: 21769658). This variant has been observed in multiple individuals and families affected with breast and ovarian cancer (PMID: 15533909, 20104584, 21769658, 23458327, 24797986, 25452441, 27425403, 30322717, 33471991; Leiden Open Variation Database DB-ID BRCA1_000313) and prostate cancer (PMID: 29368341). A multifactorial analysis has reported a likelihood ratio for pathogenicity based on personal and family history of 22569.791 from log(LR)=4.353527546 for 14 carriers (PMID: 31853058).This variant has been identified in 1/251154 chromosomes in the general population by the Genome Aggregation Database (gnomAD). Loss of BRCA1 function is a known mechanism of disease. Based on the available evidence, this variant is classified as Pathogenic.

Ambry Genetics
Classification: Pathogenic for Hereditary cancer-predisposing syndrome. Last evaluated: 2025-01-06. Review status: criteria provided, single submitter. Criteria: Ambry Variant Classification Scheme 2023. Collection method: clinical testing. Allele origin: germline. Not counted in ClinVar's aggregate classification.
Comment: The c.4357+1G>A intronic pathogenic mutation results from a G to A substitution one nucleotide after coding exon 11 of the BRCA1 gene. This mutation has been reported in multiple individuals with personal and/or family history consistent with hereditary breast and ovarian cancer (HBOC) syndrome (Pal T et al. Cancer Epidemiol. Biomarkers Prev. 2004 Nov;13(11 Pt 1):1794-9; Akbari MR et al. Clin. Genet. 2014 Jan;85:64-7; Tihomirova L et al. Adv Med Sci, 2014 Mar;59:114-9; Couch FJ et al. J. Clin. Oncol., 2015 Feb;33:304-11; Alemar B et al. Cancer Genet. 2016 Sep;209:417-422; Rebbeck TR et al. Hum. Mutat., 2018 May;39:593-620). Functional analyses have demonstrated that this alteration leads to a skipping of coding exon 11 (also known as exon 13), causing a frameshift and alternate stop codon (Ambry internal data; Thomassen M et al. Breast Cancer Res. Treat. 2012 Apr;132:1009-23). In addition, this alteration has been classified as pathogenic (p>0.99) by multifactorial analysis, which integrates the following lines of evidence to produce a quantitative likelihood of pathogenicity: in silico prediction models, segregation with disease, tumor characteristics, mutation co-occurrence (Easton DF et al. Am. J. Hum. Genet. 2007 Nov;81:873-83; Lindor NM et al. Hum. Mutat. 2012 Jan;33:8-21; Vallee MP et al. Hum. Mutat. 2012 Jan;33:22-8). In silico splice site analysis predicts that this alteration will weaken the native splice donor site. In addition to the clinical data presented in the literature, alterations that disrupt the canonical splice site are expected to cause aberrant splicing, resulting in an abnormal protein or a transcript that is subject to nonsense-mediated mRNA decay. As such, this alteration is classified as a disease-causing mutation.

Quest Diagnostics Nichols Institute San Juan Capistrano
Classification: Pathogenic. Last evaluated: 2024-12-20. Review status: criteria provided, single submitter. Criteria: Quest Diagnostics criteria. Collection method: clinical testing. Allele origin: unknown. Not counted in ClinVar's aggregate classification.
Comment: The BRCA1 c.4357+1G>A variant disrupts a canonical splice-donor site and interferes with normal BRCA1 mRNA splicing. Studies show this variant will result in premature termination of the protein (PMID: 21769658 (2012), 24667779 (2014)). In the published literature, this variant has been reported in multiple individuals with breast and/or ovarian cancer (PMID: 21769658 (2012), 24013928 (2014), 27425403 (2016), 30322717 (2018), 33646313 (2021), 36551643 (2022), 36367610 (2023), 38355628 (2024)) and in at least one individual with prostate cancer (PMID: 29368341 (2018)). The frequency of this variant in the general population (Genome Aggregation Database) is consistent with pathogenicity. Based on the available information, this variant is classified as pathogenic.

All of Us Research Program, National Institutes of Health
Classification: Pathogenic for BRCA1-related cancer predisposition. Last evaluated: 2024-08-29. Review status: criteria provided, single submitter. Criteria: ACMG Guidelines, 2015. Collection method: clinical testing. Allele origin: germline. Inheritance: Autosomal dominant inheritance. Observed: 1 variant allele, 1 heterozygote. Not counted in ClinVar's aggregate classification.
Comment: This c. 4357+1G>A (also known as IVS13+1G>A) variant in the BRCA1 gene has been reported in multiple patients with breast cancer from two families breast cancer patients (PMID15533909, PMID21769658). In silico analysis and experimental studies suggest that this variant causes exon 13 skipping (PMID24667779,21735045, 21769658). A multifactorial likelihood algorithm also predicts this variant to be deleterious (PMID 17924331). Based on the current evidence, this c. 4357+1G>A variant in the BRCA1 gene is classified as pathogenic.

This study involves interpretation of variants in research participants for the purpose of population health screening. Participant phenotype was not available at the time of variant classification. Additional details can be found in publication PMID: 35346344, PMCID: PMC8962531

Baylor Genetics
Classification: Pathogenic for Breast-ovarian cancer, familial, susceptibility to, 1. Last evaluated: 2024-03-07. Review status: criteria provided, single submitter. Criteria: ACMG Guidelines, 2015. Collection method: clinical testing. Allele origin: unknown. Not counted in ClinVar's aggregate classification.